The following is an entry in ClinVar:

NM_003998.4(NFKB1):c.1099C>T (p.Leu367Phe)

Gene: NFKB1 (nuclear factor kappa B subunit 1; plus strand). Cytogenetic location: 4q24.
Variant type: single nucleotide variant.
Coding change: c.1099C>T on transcript NM_003998.4 (MANE Select); coding-DNA position 1099, C replaced by T.
Protein change: p.Leu367Phe; replaces leucine 367 with phenylalanine.
Molecular consequence: missense variant.
Genome position (GRCh38, 1-based): chr4:102,593,457, C>T. VCF-style: chr4-102593457-C-T. GRCh37 (hg19) VCF-style: chr4-103514614-C-T.
Other names: c.1096C>T, p.Leu366Phe (NM_001165412.2, NM_001319226.2, NM_001382627.1); c.1099C>T, p.Leu367Phe (NM_001382625.1, NM_001382626.1); c.1057C>T, p.Leu353Phe (NM_001382628.1); short protein forms L367F, L366F, L353F.
Identifiers: ClinVar variation 2522325 (VCV002522325.29), dbSNP rs771511171, ClinGen allele CA3026065.

ClinVar aggregate classification (germline): Uncertain significance. Review status: criteria provided, multiple submitters, no conflicts (2 of 4 stars). 3 submissions from 3 submitters: Uncertain significance (3). Last evaluated 2025-11-24.

Conditions:
Inborn genetic diseases. Identifiers: MedGen C0950123, MeSH D030342.

Allele frequency attached by ClinVar (database versions not stated): ExAC 0.00002.
gnomAD v4.1: 19 of 1,613,622 alleles (0.0012%); highest among the groups gnomAD compares: South Asian, 0.021%; no homozygotes.

Submissions (3):

Labcorp Genetics (formerly Invitae), Labcorp
Classification: Uncertain significance. Last evaluated: 2025-11-24. Review status: criteria provided, single submitter. Criteria: Invitae Variant Classification Sherloc (09022015). Collection method: clinical testing. Allele origin: germline.
Comment: This sequence change replaces leucine, which is neutral and non-polar, with phenylalanine, which is neutral and non-polar, at codon 367 of the NFKB1 protein (p.Leu367Phe). This variant is present in population databases (rs771511171, gnomAD 0.02%). This variant has not been reported in the literature in individuals affected with NFKB1-related conditions. ClinVar contains an entry for this variant (Variation ID: 2522325). Invitae Evidence Modeling of protein sequence and biophysical properties (such as structural, functional, and spatial information, amino acid conservation, physicochemical variation, residue mobility, and thermodynamic stability) indicates that this missense variant is not expected to disrupt NFKB1 protein function with a negative predictive value of 80%. In summary, the available evidence is currently insufficient to determine the role of this variant in disease. Therefore, it has been classified as a Variant of Uncertain Significance.

Ambry Genetics
Classification: Uncertain significance for Inborn genetic diseases. Last evaluated: 2023-06-06. Review status: criteria provided, single submitter. Criteria: Ambry Variant Classification Scheme 2023. Collection method: clinical testing. Allele origin: germline.

CeGaT Center for Human Genetics Tuebingen
Classification: Uncertain significance. Last evaluated: 2023-02-01. Review status: criteria provided, single submitter. Criteria: CeGaT Center For Human Genetics Tuebingen Variant Classification Criteria Version 2. Collection method: clinical testing. Allele origin: germline. Affected: yes. Observed: 1 variant allele.